The following is an entry in ClinVar:

NM_022455.5(NSD1):c.6595dup (p.Arg2199fs)

Gene: NSD1 (nuclear receptor binding SET domain protein 1; plus strand). Cytogenetic location: 5q35.3.
Variant type: Duplication.
Coding change: c.6595dup on transcript NM_022455.5 (MANE Select); coding-DNA position 6595, one base duplicated (C; older notation c.6595dupC).
Protein change: p.Arg2199fs; shifts the reading frame from arginine 2199.
Molecular consequence: frameshift variant.
Genome position (GRCh38, 1-based): chr5:177,293,963, C duplicated. VCF-style (leftmost placement, unchanged base first): chr5-177293962-G-GC. GRCh37 (hg19) VCF-style: chr5-176720963-G-GC.
Other names: c.6595dupC (NM_022455.4); c.5722dup, p.Arg1908fs (NM_001365684.2, NM_001409308.1, NM_172349.5); c.6595dup, p.Arg2199fs (NM_001409301.1, NM_001409302.1, NM_001409303.1); c.6175dup, p.Arg2059fs (NM_001409304.1); c.5842dup, p.Arg1948fs (NM_001409305.1); c.5833dup, p.Arg1945fs (NM_001409306.1, NM_001409307.1); c.5473dup, p.Arg1825fs (NM_001409309.1); short protein forms R1948fs, R2059fs, R2199fs, R1825fs, R1908fs, R1945fs.
Identifiers: ClinVar variation 4992395 (VCV004992395.1).
Genomic context (GRCh38, chr5:177,293,962, plus strand): 5'-CCCCAGCTCCTTTTGTAAGCAGCATCGAGAAGGGATGCTTTTCATTTCCAAACTGGATGG[G>GC]CGTCTGTCTTGTACTGAGCATGACCCCTGTGGGCCCAATCCTCTGGAACCTGGGGAGATC-3'

ClinVar aggregate classification (germline): Likely pathogenic (1 of 4 stars; one submission).

Conditions:
NSD1-related disorder. Also called: NSD1-related condition.

Submission:

PreventionGenetics, part of Exact Sciences
Classification: Likely pathogenic for NSD1-related condition. Last evaluated: 2025-11-13. Review status: criteria provided, single submitter. Criteria: ACMG Guidelines, 2015. Collection method: clinical testing. Allele origin: germline.
Comment: The NSD1 c.6595dupC variant is predicted to result in a frameshift and premature protein termination (p.Arg2199Profs*6). To our knowledge, this variant has not been reported in the literature or in a large population database (gnomAD), indicating this variant is rare. This variant resides in the large terminal exon of this gene, and frameshift variants downstream of the c.7578del variant have been documented in individuals with NSD1-related disorders (see for example, de Boer et al. 2004. PubMed ID: 15452385; Table S1, Tatton-Brown et al. 2017. PubMed ID: 28475857). This variant is interpreted as likely pathogenic.